The following is an entry in ClinVar:

NM_000350.3(ABCA4):c.4195G>A (p.Glu1399Lys)

Gene: ABCA4 (ATP binding cassette subfamily A member 4; minus strand). Cytogenetic location: 1p22.1.
Variant type: single nucleotide variant.
Coding change: c.4195G>A on transcript NM_000350.3 (MANE Select); coding-DNA position 4195, G replaced by A.
Protein change: p.Glu1399Lys; replaces glutamic acid 1399 with lysine.
Molecular consequence: missense variant.
Genome position (GRCh38, 1-based): chr1:94,031,054, C>T on the plus strand (G>A on the coding strand, the complement: ABCA4 is on the minus strand). VCF-style: chr1-94031054-C-T. GRCh37 (hg19) VCF-style: chr1-94496610-C-T.
Other names: c.3973G>A, p.Glu1325Lys (NM_001425324.1); short protein forms E1399K, E1325K.
Identifiers: ClinVar variation 99256 (VCV000099256.53), dbSNP rs62642573, ClinGen allele CA227162.

ClinVar aggregate classification (germline): Pathogenic/Likely pathogenic. Review status: criteria provided, multiple submitters, no conflicts (2 of 4 stars). 10 submissions from 9 submitters: Pathogenic (4); Likely pathogenic (3). 3 of the submissions do not count toward it. Last evaluated 2026-05-01.

Conditions:
ABCA4-related disorder. Also called: ABCA4-related disorders; ABCA4-related condition. Identifiers: MedGen CN239167.
Age related macular degeneration 2. Also called: MACULAR DEGENERATION, SENILE; MACULOPATHY, AGE-RELATED, 2; MACULOPATHY, AGE-RELATED. Identifiers: MedGen C3495438, MONDO:0007932, OMIM 153800.
Severe early-childhood-onset retinal dystrophy (STGD1). Also called: MACULAR DYSTROPHY WITH FLECKS, TYPE 1; STGD; Stargardt macular dystrophy; Juvenile onset macular degeneration; Stargardt disease 1. Identifiers: Orphanet 364055, Orphanet 827, MedGen C1855465, MeSH D000080362, MONDO:0009549, OMIM 248200.
Retinitis pigmentosa 19 (RP19). Also called: ABCA4-Related Retinitis Pigmentosa. Identifiers: Orphanet 791, MedGen C1866422, MONDO:0011137, OMIM 601718.
Cone-rod dystrophy 3 (CORD3). Identifiers: Orphanet 1872, MedGen C1858806, MONDO:0011395, OMIM 604116.
Retinal dystrophy. Also called: Inherited retinal dystrophy. Identifiers: Orphanet 71862, MedGen C0854723, MeSH D058499, MONDO:0019118, HP:0000556.

Allele frequency attached by ClinVar (database versions not stated): gnomAD 0.00003; TOPMed 0.00003.

Submissions (10):

CeGaT Center for Human Genetics Tuebingen
Classification: Pathogenic. Last evaluated: 2026-05-01. Review status: criteria provided, single submitter. Criteria: CeGaT Center For Human Genetics Tuebingen Variant Classification Criteria Version 2. Collection method: clinical testing. Allele origin: germline. Affected: yes. Observed: 2 variant alleles.
Comment: ABCA4: PM3:Very Strong, PM2, PS3:Supporting

Labcorp Genetics (formerly Invitae), Labcorp
Classification: Pathogenic. Last evaluated: 2025-04-11. Review status: criteria provided, single submitter. Criteria: Invitae Variant Classification Sherloc (09022015). Collection method: clinical testing. Allele origin: germline.
Comment: This sequence change replaces glutamic acid, which is acidic and polar, with lysine, which is basic and polar, at codon 1399 of the ABCA4 protein (p.Glu1399Lys). This variant is present in population databases (rs62642573, gnomAD 0.008%). This missense change has been observed in individual(s) with Stargardt disease (PMID: 10958763, 28118664). In at least one individual the data is consistent with being in trans (on the opposite chromosome) from a pathogenic variant. ClinVar contains an entry for this variant (Variation ID: 99256). Invitae Evidence Modeling of protein sequence and biophysical properties (such as structural, functional, and spatial information, amino acid conservation, physicochemical variation, residue mobility, and thermodynamic stability) has been performed for this missense variant. However, the output from this modeling did not meet the statistical confidence thresholds required to predict the impact of this variant on ABCA4 protein function. Algorithms developed to predict the effect of sequence changes on RNA splicing suggest that this variant may disrupt the consensus splice site. For these reasons, this variant has been classified as Pathogenic.

Blueprint Genetics
Classification: Pathogenic for ABCA4-related disorders. Last evaluated: 2023-06-08. Review status: criteria provided, single submitter. Criteria: ACMG Guidelines, 2015. Collection method: clinical testing. Allele origin: germline. Affected: yes. Observed: 5 variant alleles.

MGZ Medical Genetics Center
Classification: Likely pathogenic for Severe early-childhood-onset retinal dystrophy. Last evaluated: 2022-04-01. Review status: criteria provided, single submitter. Criteria: ACMG Guidelines, 2015. Collection method: clinical testing. Allele origin: germline. Affected: yes. Observed: 1 variant allele.
Comment: ACMG criteria applied: PS4_MOD, PM3, PM2_SUP, PP3

Institute of Human Genetics, Univ. Regensburg, Univ. Regensburg
Classification: Likely pathogenic for Retinal dystrophy. Last evaluated: 2022-01-01. Review status: criteria provided, single submitter. Criteria: ACMG Guidelines, 2015. Collection method: clinical testing. Allele origin: germline. Affected: yes.

Institute of Human Genetics, Univ. Regensburg, Univ. Regensburg
Classification: Likely pathogenic for Severe early-childhood-onset retinal dystrophy. Last evaluated: 2016-01-01. Review status: criteria provided, single submitter. Criteria: Schulz et al. (Invest Ophthalmol Vis Sci. 2017). Collection method: clinical testing. Allele origin: germline. Affected: yes. Observed: 2 heterozygotes.

Juno Genomics, Hangzhou Juno Genomics, Inc
Classification: Pathogenic for Age related macular degeneration 2; Cone-rod dystrophy 3; Severe early-childhood-onset retinal dystrophy; Retinitis pigmentosa 19. Review status: criteria provided, single submitter. Criteria: ACMG Guidelines, 2015. Collection method: clinical testing. Allele origin: germline.
Comment: Multiple lines of computational evidence support a deleterious effect on the gene or gene product.;For recessive disorders, detected in trans with a pathogenic variant.;Patient's phenotype or family history is highly specific for a disease with a single genetic etiology.

Department of Ophthalmology and Visual Sciences Kyoto University
Classification: Pathogenic for Stargardt disease 1. Review status: no assertion criteria provided. Collection method: not provided. Allele origin: unknown. Not counted in ClinVar's aggregate classification.
ClinVar note: Converted during submission from pathogenic to Pathogenic.

Retina International
No classification provided. Review status: no classification provided. Collection method: not provided. Allele origin: not provided. Not counted in ClinVar's aggregate classification.

Dept Of Ophthalmology, Nagoya University
Classification: Uncertain significance for Retinal dystrophy. Last evaluated: 2023-10-01. Review status: flagged submission. Criteria: Submitter's publication. Collection method: research. Allele origin: germline. Affected: yes. Not counted in ClinVar's aggregate classification.
ClinVar note: Reason: Outlier claim with insufficient supporting evidence

Literature cited by the submitters: PubMed 10958763 (cited by Labcorp Genetics (formerly Invitae), Labcorp and Institute of Human Genetics, Univ. Regensburg, Univ. Regensburg); PubMed 28118664 (cited by Labcorp Genetics (formerly Invitae), Labcorp); PubMed 23424971 (cited by Institute of Human Genetics, Univ. Regensburg, Univ. Regensburg); PubMed 29555955 (cited by Institute of Human Genetics, Univ. Regensburg, Univ. Regensburg); PubMed 31589614 (cited by Institute of Human Genetics, Univ. Regensburg, Univ. Regensburg); PubMed 33375396 (cited by Institute of Human Genetics, Univ. Regensburg, Univ. Regensburg); PubMed 31964843 (cited by Institute of Human Genetics, Univ. Regensburg, Univ. Regensburg); PubMed 32307445 (cited by Institute of Human Genetics, Univ. Regensburg, Univ. Regensburg); PubMed 32531858 (cited by Institute of Human Genetics, Univ. Regensburg, Univ. Regensburg); PubMed 34426522 (cited by Institute of Human Genetics, Univ. Regensburg, Univ. Regensburg); PubMed 36460718 (cited by Institute of Human Genetics, Univ. Regensburg, Univ. Regensburg).